The following is an entry in ClinVar:

ClinVar aggregate classification (germline): Uncertain significance (1 of 4 stars; one submission).

Conditions:
Inborn genetic diseases. Identifiers: MedGen C0950123, MeSH D030342.

Allele frequency attached by ClinVar (database versions not stated): gnomAD exomes below 0.00001.
gnomAD v4.1: 2 of 1,614,048 alleles (0.00012%); highest among the groups gnomAD compares: Admixed American, 0.0017%; no homozygotes.

Submission:

Ambry Genetics
Classification: Uncertain significance for Inborn genetic diseases. Last evaluated: 2020-12-29. Review status: criteria provided, single submitter. Criteria: Ambry Variant Classification Scheme 2023. Collection method: clinical testing. Allele origin: germline.
Comment: The c.1097C>T (p.P366L) alteration is located in exon 8 (coding exon 8) of the TRMT1 gene. This alteration results from a C to T substitution at nucleotide position 1097, causing the proline (P) at amino acid position 366 to be replaced by a leucine (L). The p.P366L alteration is predicted to be tolerated by in silico analysis. Based on insufficient or conflicting evidence, the clinical significance of this alteration remains unclear.

NM_001136035.4(TRMT1):c.1097C>T (p.Pro366Leu)

Gene: TRMT1 (tRNA methyltransferase 1; minus strand). Cytogenetic location: 19p13.13.
Variant type: single nucleotide variant.
Coding change: c.1097C>T on transcript NM_001136035.4 (MANE Select); coding-DNA position 1097, C replaced by T.
Protein change: p.Pro366Leu; replaces proline 366 with leucine.
Molecular consequence: missense variant. On other transcripts: intron variant (2).
Genome position (GRCh38, 1-based): chr19:13,109,924, G>A on the plus strand (C>T on the coding strand, the complement: TRMT1 is on the minus strand). VCF-style: chr19-13109924-G-A. GRCh37 (hg19) VCF-style: chr19-13220738-G-A.
Other names: c.989C>T, p.Pro330Leu (NM_001351761.2); c.314C>T, p.Pro105Leu (NM_001351762.2); c.1097C>T, p.Pro366Leu (NM_017722.5); c.1020-86C>T (NM_001351760.2, NM_001142554.3); short protein forms P330L, P105L, P366L.
Identifiers: ClinVar variation 2228110 (VCV002228110.2), dbSNP rs1225533183, ClinGen allele CA404313282.